The following is an entry in ClinVar:

ClinVar aggregate classification (germline): Uncertain significance (1 of 4 stars; one submission).

Allele frequency attached by ClinVar (database versions not stated): gnomAD exomes 0.00002.

Submission:

GeneDx
Classification: Uncertain significance. Last evaluated: 2019-04-02. Review status: criteria provided, single submitter. Criteria: GeneDx Variant Classification Process June 2021. Collection method: clinical testing. Allele origin: germline. Affected: yes.
Comment: Not observed in large population cohorts (Lek et al., 2016); In silico analysis, which includes protein predictors and evolutionary conservation, supports that this variant does not alter protein structure/function; Has not been previously published as pathogenic or benign to our knowledge

NM_001386298.1(CIC):c.6751T>C (p.Phe2251Leu)

Gene: CIC (capicua transcriptional repressor; plus strand). Cytogenetic location: 19q13.2.
Variant type: single nucleotide variant.
Coding change: c.6751T>C on transcript NM_001386298.1 (MANE Select); coding-DNA position 6751, T replaced by C.
Protein change: p.Phe2251Leu; replaces phenylalanine 2251 with leucine.
Molecular consequence: missense variant.
Genome position (GRCh38, 1-based): chr19:42,293,820, T>C. VCF-style: chr19-42293820-T-C. GRCh37 (hg19) VCF-style: chr19-42797972-T-C.
Other names: c.6751T>C, p.Phe2251Leu (NM_001304815.2, NM_001379482.1); c.6748T>C, p.Phe2250Leu (NM_001379480.1); c.4024T>C, p.Phe1342Leu (NM_001379484.1, NM_001379485.1, NM_015125.5); short protein forms F1342L, F2250L, F2251L.
Identifiers: ClinVar variation 1308281 (VCV001308281.2), dbSNP rs1006881747, ClinGen allele CA308635385.